The following is an entry in ClinVar:

ClinVar aggregate classification (germline): Uncertain significance (1 of 4 stars; one submission).

gnomAD v4.1: 1 of 1,614,244 alleles (0.000062%); highest among the groups gnomAD compares: Non-Finnish European, 0.000085%; no homozygotes.

Submission:

Labcorp Genetics (formerly Invitae), Labcorp
Classification: Uncertain significance. Last evaluated: 2025-08-29. Review status: criteria provided, single submitter. Criteria: Invitae Variant Classification Sherloc (09022015). Collection method: clinical testing. Allele origin: germline.
Comment: This sequence change replaces arginine, which is basic and polar, with cysteine, which is neutral and slightly polar, at codon 497 of the ARHGAP31 protein (p.Arg497Cys). This variant is not present in population databases (gnomAD no frequency). This variant has not been reported in the literature in individuals affected with ARHGAP31-related conditions. An algorithm developed to predict the effect of missense changes on protein structure and function (PolyPhen-2) suggests that this variant is likely to be disruptive. In summary, the available evidence is currently insufficient to determine the role of this variant in disease. Therefore, it has been classified as a Variant of Uncertain Significance.

NM_020754.4(ARHGAP31):c.1489C>T (p.Arg497Cys)

Gene: ARHGAP31 (Rho GTPase activating protein 31; plus strand). Cytogenetic location: 3q13.33.
Variant type: single nucleotide variant.
Coding change: c.1489C>T on transcript NM_020754.4 (MANE Select); coding-DNA position 1489, C replaced by T.
Protein change: p.Arg497Cys; replaces arginine 497 with cysteine.
Molecular consequence: missense variant.
Genome position (GRCh38, 1-based): chr3:119,402,241, C>T. VCF-style: chr3-119402241-C-T. GRCh37 (hg19) VCF-style: chr3-119121088-C-T.
Other names: short protein forms R497C.
Identifiers: ClinVar variation 4782102 (VCV004782102.1).